The following is an entry in ClinVar:

NM_201384.3(PLEC):c.13607C>T (p.Ser4536Leu)

Gene: PLEC (plectin; minus strand). Cytogenetic location: 8q24.3.
Variant type: single nucleotide variant.
Coding change: c.13607C>T on transcript NM_201384.3 (MANE Select); coding-DNA position 13607, C replaced by T.
Protein change: p.Ser4536Leu; replaces serine 4536 with leucine.
Molecular consequence: missense variant.
Genome position (GRCh38, 1-based): chr8:143,916,214, G>A on the plus strand (C>T on the coding strand, the complement: PLEC is on the minus strand). VCF-style: chr8-143916214-G-A. GRCh37 (hg19) VCF-style: chr8-144990382-G-A.
Other names: c.13688C>T, p.Ser4563Leu (NM_000445.5); c.13565C>T, p.Ser4522Leu (NM_201378.4); c.13541C>T, p.Ser4514Leu (NM_201379.3); c.14018C>T, p.Ser4673Leu (NM_201380.4); c.13511C>T, p.Ser4504Leu (NM_201381.3); c.13607C>T, p.Ser4536Leu (NM_201382.4); c.13619C>T, p.Ser4540Leu (NM_201383.3); short protein forms S4504L, S4514L, S4522L, S4536L, S4540L, S4563L, S4673L.
Identifiers: ClinVar variation 500806 (VCV000500806.17), dbSNP rs781985768, ClinGen allele CA4923747.
Genomic context (GRCh38, chr8:143,916,214, plus strand): 5'-GAGCGGGGTGGGCGCAGGCAGCCTCAGGCCACGGCAGACTCAGGGCCCCCCAGGGAGGCC[G>A]AGGACCCCGAGGCGTAGCGGCGGCCGTAGCCCGAGGAGGAGTAGGAGGATGAAGAGAAGG-3'
Protein context (NP_958786.1, residues 4526-4546): GYGRRYASGS[Ser4536Leu]ASLGGPESAV

ClinVar aggregate classification (germline): Conflicting classifications of pathogenicity. Review status: criteria provided, conflicting classifications (1 of 4 stars). 4 submissions from 4 submitters: Uncertain significance (3); Likely benign (1). Last evaluated 2026-01-17.

Conditions:
Epidermolysis bullosa simplex 5B, with muscular dystrophy (EBS5B). Also called: EPIDERMOLYSIS BULLOSA SIMPLEX AND LIMB-GIRDLE MUSCULAR DYSTROPHY; Epidermolysis bullosa simplex with muscular dystrophy. Identifiers: Orphanet 257, MedGen C2931072, MONDO:0009181, OMIM 226670.
Epidermolysis bullosa simplex, Ogna type (EBS5A). Also called: Pidermolysis bullosa simplex 5A, Ogna type; EPIDERMOLYSIS BULLOSA SIMPLEX 5A, OGNA TYPE. Identifiers: Orphanet 79401, MedGen C0432317, MONDO:0007555, OMIM 131950.
Autosomal recessive limb-girdle muscular dystrophy type 2Q (LGMDR17). Also called: MUSCULAR DYSTROPHY, LIMB-GIRDLE, AUTOSOMAL RECESSIVE 17. Identifiers: Orphanet 254361, MedGen C3150989, MONDO:0013390, OMIM 613723.
Epidermolysis bullosa simplex 5C, with pyloric atresia (EBS5C). Also called: Epidermolysis bullosa simplex with pyloric atresia; PLEC1-Related Epidermolysis Bullosa with Pyloric Atresia; PLEC-Related Epidermolysis Bullosa with Pyloric Atresia. Identifiers: Orphanet 158684, MedGen C2677349, MONDO:0012807, OMIM 612138.
Epidermolysis bullosa simplex with nail dystrophy (EBS5D). Identifiers: MedGen C4225309, MONDO:0014661, OMIM 616487.
Inborn genetic diseases. Identifiers: MedGen C0950123, MeSH D030342.

Allele frequency attached by ClinVar (database versions not stated): ExAC below 0.00001; gnomAD exomes 0.00006 and 0.00017; TOPMed 0.00008; gnomAD 0.00010.

Submissions (4):

Labcorp Genetics (formerly Invitae), Labcorp
Classification: Uncertain significance for Autosomal recessive limb-girdle muscular dystrophy type 2Q; Epidermolysis bullosa simplex, Ogna type; Epidermolysis bullosa simplex with nail dystrophy; Epidermolysis bullosa simplex 5C, with pyloric atresia; Epidermolysis bullosa simplex 5B, with muscular dystrophy. Last evaluated: 2026-01-17. Review status: criteria provided, single submitter. Criteria: Invitae Variant Classification Sherloc (09022015). Collection method: clinical testing. Allele origin: germline.
Comment: This sequence change replaces serine, which is neutral and polar, with leucine, which is neutral and non-polar, at codon 4563 of the PLEC protein (p.Ser4563Leu). This variant is present in population databases (rs781985768, gnomAD 0.1%). This variant has not been reported in the literature in individuals affected with PLEC-related conditions. ClinVar contains an entry for this variant (Variation ID: 500806). Invitae Evidence Modeling of protein sequence and biophysical properties (such as structural, functional, and spatial information, amino acid conservation, physicochemical variation, residue mobility, and thermodynamic stability) indicates that this missense variant is not expected to disrupt PLEC protein function with a negative predictive value of 80%. In summary, the available evidence is currently insufficient to determine the role of this variant in disease. Therefore, it has been classified as a Variant of Uncertain Significance.

Ambry Genetics
Classification: Uncertain significance for Inborn genetic diseases. Last evaluated: 2024-01-23. Review status: criteria provided, single submitter. Criteria: Ambry Variant Classification Scheme 2023. Collection method: clinical testing. Allele origin: germline.

GeneDx
Classification: Likely benign. Last evaluated: 2021-01-06. Review status: criteria provided, single submitter. Criteria: GeneDx Variant Classification Process June 2021. Collection method: clinical testing. Allele origin: germline. Affected: yes.

Eurofins Ntd Llc (ga)
Classification: Uncertain significance. Last evaluated: 2017-03-13. Review status: criteria provided, single submitter. Criteria: EGL Classification Definitions 2015. Collection method: clinical testing. Allele origin: germline. Observed: 1 variant allele, 1 heterozygote.